The following is an entry in ClinVar:

NM_000069.3(CACNA1S):c.122G>A (p.Arg41Lys)

Gene: CACNA1S (calcium voltage-gated channel subunit alpha1 S; minus strand). Cytogenetic location: 1q32.1.
Variant type: single nucleotide variant.
Coding change: c.122G>A on transcript NM_000069.3 (MANE Select); coding-DNA position 122, G replaced by A.
Protein change: p.Arg41Lys; replaces arginine 41 with lysine.
Molecular consequence: missense variant.
Genome position (GRCh38, 1-based): chr1:201,112,218, C>T on the plus strand (G>A on the coding strand, the complement: CACNA1S is on the minus strand). VCF-style: chr1-201112218-C-T. GRCh37 (hg19) VCF-style: chr1-201081346-C-T.
Other names: short protein forms R41K.
Identifiers: ClinVar variation 3070972 (VCV003070972.1), dbSNP rs2464701413, ClinGen allele CA344157794.

ClinVar aggregate classification (germline): Uncertain significance (1 of 4 stars; one submission).

Conditions:
Malignant hyperthermia, susceptibility to, 5 (MHS5). Also called: CACNA1S-Related Malignant Hyperthermia Susceptibility. Identifiers: Orphanet 423, MedGen C1866077, MONDO:0011163, OMIM 601887.

Submission:

All of Us Research Program, National Institutes of Health
Classification: Uncertain significance for Malignant hyperthermia, susceptibility to, 5. Last evaluated: 2023-05-15. Review status: criteria provided, single submitter. Criteria: ACMG Guidelines, 2015. Collection method: clinical testing. Allele origin: germline. Inheritance: Autosomal dominant inheritance. Observed: 1 variant allele, 1 heterozygote.
Comment: This missense variant replaces arginine with lysine at codon 41 of the CACNA1S protein. Computational prediction suggests that this variant may have deleterious impact on protein structure and function (internally defined REVEL score threshold >= 0.7, PMID: 27666373). To our knowledge, functional studies have not been reported for this variant. This variant has not been reported in individuals affected with CACNA1S-related disorders in the literature. This variant has not been identified in the general population by the Genome Aggregation Database (gnomAD). The available evidence is insufficient to determine the role of this variant in disease conclusively. Therefore, this variant is classified as a Variant of Uncertain Significance.

This study involves interpretation of variants in research participants for the purpose of population health screening. Participant phenotype was not available at the time of variant classification. Additional details can be found in publication PMID: 35346344, PMCID: PMC8962531